The following is an entry in ClinVar:

NM_024408.4(NOTCH2):c.4311C>T (p.Gly1437=)

Gene: NOTCH2 (notch receptor 2; minus strand). Cytogenetic location: 1p12.
Variant type: single nucleotide variant.
Coding change: c.4311C>T on transcript NM_024408.4 (MANE Select); coding-DNA position 4311, C replaced by T.
Protein change: p.Gly1437=; no amino-acid change (glycine 1437 retained).
Molecular consequence: synonymous variant.
Genome position (GRCh38, 1-based): chr1:119,925,505, G>A on the plus strand (C>T on the coding strand, the complement: NOTCH2 is on the minus strand). VCF-style: chr1-119925505-G-A. GRCh37 (hg19) VCF-style: chr1-120468128-G-A.
Other names: p.Gly1437=.
Identifiers: ClinVar variation 286546 (VCV000286546.22), dbSNP rs34561092, ClinGen allele CA1039873.
Genomic context (GRCh38, chr1:119,925,505, plus strand): 5'-GAGAGAACAGTCACCCCCATCCCACTGGCAGGCATGGCTGTTGCAGGCCTCATCACAGAC[G>A]CCATCCCGAGCTTTGTCGGCACAATACTGGCTCAGACAGGTGGCAGGAGGGGTGCTGGGG-3'
Protein context (NP_077719.2, residues 1427-1447): SQYCADKARD[Gly1437=]VCDEACNSHA

ClinVar aggregate classification (germline): Benign/Likely benign. Review status: criteria provided, multiple submitters, no conflicts (2 of 4 stars). 7 submissions from 7 submitters: Benign (4); Likely benign (3). Last evaluated 2026-01-28.

Conditions:
Hajdu-Cheney syndrome (HJCYS). Also called: SERPENTINE FIBULA-POLYCYSTIC KIDNEY SYNDROME; ACROOSTEOLYSIS WITH OSTEOPOROSIS AND CHANGES IN SKULL AND MANDIBLE; Acroosteolysis dominant type. Identifiers: Orphanet 955, MedGen C0917715, MONDO:0007057, OMIM 102500.
Alagille syndrome due to a NOTCH2 point mutation. Also called: Alagille syndrome 2. Identifiers: Orphanet 261629, Orphanet 52, MedGen C1857761, MONDO:0012439, OMIM 610205.

Allele frequency attached by ClinVar (database versions not stated): gnomAD exomes 0.00090 and 0.00220; ExAC 0.00245; 1000 Genomes Project 0.00679; gnomAD 0.00692 and 0.00733; 1000 Genomes Project 30x 0.00718; TOPMed 0.00753; ESP Exome Variant Server 0.00807.
gnomAD v4.1: 2,469 of 1,614,094 alleles (0.15%); highest among the groups gnomAD compares: African/African-American, 2.4%; 17 homozygotes.

Submissions (7):

Labcorp Genetics (formerly Invitae), Labcorp
Classification: Benign for Hajdu-Cheney syndrome. Last evaluated: 2026-01-28. Review status: criteria provided, single submitter. Criteria: Invitae Variant Classification Sherloc (09022015). Collection method: clinical testing. Allele origin: germline.

Blueprint Genetics
Classification: Benign. Last evaluated: 2024-11-01. Review status: criteria provided, single submitter. Criteria: ACMG Guidelines, 2015. Collection method: clinical testing. Allele origin: germline.

Mayo Clinic Laboratories, Mayo Clinic
Classification: Benign. Last evaluated: 2024-02-14. Review status: criteria provided, single submitter. Criteria: ACMG Guidelines, 2015. Collection method: clinical testing. Allele origin: germline. Observed: 10 variant alleles.
Comment: BS1, BP4, BP7

Fulgent Genetics
Classification: Likely benign for Hajdu-Cheney syndrome; Alagille syndrome due to a NOTCH2 point mutation. Last evaluated: 2021-07-21. Review status: criteria provided, single submitter. Criteria: ACMG Guidelines, 2015. Collection method: clinical testing. Allele origin: unknown.

GeneDx
Classification: Likely benign. Last evaluated: 2020-09-16. Review status: criteria provided, single submitter. Criteria: GeneDx Variant Classification Process June 2021. Collection method: clinical testing. Allele origin: germline. Affected: yes.

Eurofins Ntd Llc (ga)
Classification: Benign. Last evaluated: 2016-03-03. Review status: criteria provided, single submitter. Criteria: EGL Classification Definitions 2015. Collection method: clinical testing. Allele origin: germline. Observed: 1 variant allele, 1 heterozygote.

Breakthrough Genomics
Classification: Likely benign. Review status: criteria provided, single submitter. Criteria: ACMG Guidelines, 2015. Collection method: not provided. Allele origin: germline. Inheritance: Autosomal dominant inheritance. Affected: yes.